The following is an entry in ClinVar:

ClinVar aggregate classification (germline): Uncertain significance (1 of 4 stars; one submission).

Conditions:
Fanconi anemia (FA). Also called: Fanconi's anemia. Identifiers: Orphanet 84, MedGen C0015625, MeSH D005199, MONDO:0019391.

Submission:

Labcorp Genetics (formerly Invitae), Labcorp
Classification: Uncertain significance for Fanconi anemia. Last evaluated: 2022-07-17. Review status: criteria provided, single submitter. Criteria: Invitae Variant Classification Sherloc (09022015). Collection method: clinical testing. Allele origin: germline.
Comment: In summary, the available evidence is currently insufficient to determine the role of this variant in disease. Therefore, it has been classified as a Variant of Uncertain Significance. Experimental studies and prediction algorithms are not available or were not evaluated, and the functional significance of this variant is currently unknown. This variant has not been reported in the literature in individuals affected with FANCA-related conditions. This variant is not present in population databases (gnomAD no frequency). This variant, c.3896_3898del, results in the deletion of 1 amino acid(s) of the FANCA protein (p.Lys1299del), but otherwise preserves the integrity of the reading frame.

NM_000135.4(FANCA):c.3896_3898del (p.Lys1299del)

Genes: FANCA (FA complementation group A; minus strand), ZNF276 (zinc finger protein 276; plus strand). Cytogenetic location: 16q24.3.
Variant type: Deletion.
Coding change: c.3896_3898del on transcript NM_000135.4 (MANE Select); coding-DNA positions 3896 to 3898, 3 bases deleted (AGA; older notation c.3896_3898delAGA).
Protein change: p.Lys1299del; deletes lysine 1299.
Molecular consequence: inframe deletion. On other transcripts: 3 prime UTR variant (2), non-coding transcript variant (4).
Genome position (GRCh38, 1-based): chr16:89,740,030-89,740,032, TCT deleted on the plus strand (AGA on the coding strand, the reverse complement: FANCA is on the minus strand); deleting any 3 consecutive bases within chr16:89,740,030-89,740,034 gives the same sequence; the c. name uses the placement nearest the transcript's 3' end. VCF-style (leftmost placement, unchanged base first): chr16-89740029-ATCT-A. GRCh37 (hg19) VCF-style: chr16-89806437-ATCT-A.
Other names: c.3896_3898del, p.Lys1299del (NM_001286167.3); c.*1786_*1788del (NM_001113525.2, NM_152287.4); short protein forms K1299del.
Identifiers: ClinVar variation 2017827 (VCV002017827.4), dbSNP rs2544088169, ClinGen allele CA2580092428.